The following is an entry in ClinVar:

ClinVar aggregate classification (germline): Pathogenic. Review status: reviewed by expert panel (3 of 4 stars). 6 submissions from 6 submitters: Pathogenic (1). 5 of the submissions do not count toward it. Last evaluated 2026-01-15.

Conditions:
Combined immunodeficiency with skin granulomas. Identifiers: Orphanet 157949, MedGen C2673536, MONDO:0009306, OMIM 233650.
Severe combined immunodeficiency, autosomal recessive, T cell-negative, B cell-negative, NK cell-positive. Also called: SCID, T CELL-NEGATIVE, B CELL-NEGATIVE, NK CELL-POSITIVE; SCID, AR, T-cell negative, B-cell negative, NK cell-positive; Severe combined immunodeficiency due to complete RAG1/2 deficiency. Identifiers: Orphanet 331206, MedGen C1832322, MONDO:0011086, OMIM 601457.
Recombinase activating gene 1 deficiency. Identifiers: MedGen CN375631, MONDO:0000572.
Combined immunodeficiency due to partial RAG1 deficiency. Identifiers: Orphanet 231154, MedGen C1835931, MONDO:0012359, OMIM 609889.
Histiocytic medullary reticulosis. Also called: SEVERE COMBINED IMMUNODEFICIENCY WITH HYPEREOSINOPHILIA; Omenn syndrome. Identifiers: Orphanet 39041, MedGen C2700553, MONDO:0011338, OMIM 603554.
Severe combined immunodeficiency disease. Also called: Severe combined immunodeficiency; Severe Combined Immune Deficiency. Identifiers: Orphanet 183660, MedGen C0085110, MeSH D016511, MONDO:0015974, HP:0004430. Inheritance: X-Linked or Autosomal recessive.

Allele frequency attached by ClinVar (database versions not stated): gnomAD exomes 0.00001 and 0.00003; gnomAD 0.00001; TOPMed 0.00002.
gnomAD v4.1: 49 of 1,614,038 alleles (0.003%); highest among the groups gnomAD compares: Non-Finnish European, 0.0035%; no homozygotes.

Submissions (6):

ClinGen Severe Combined Immunodeficiency Variant Curation Expert Panel, ClinGen
Classification: Pathogenic for Recombinase activating gene 1 deficiency. Last evaluated: 2026-01-15. Review status: reviewed by expert panel. Criteria: ClinGen SCID ACMG Specifications RAG1 V2.1.0. Collection method: curation. Allele origin: germline. Inheritance: Autosomal recessive inheritance.
Comment: NM_000448.3(RAG1): c.2689C>T creates a premature translational stop signal (p.Arg897Ter) in the RAG1 gene. This variant is not predicted to trigger nonsense mediated decay, It is expected to disrupt the final 147 amino acids of the RAG1 protein, a region critical for its function (PVS1). The Grpmax Filtering allele frequency of this variant is 0.000002585 in gnomAD v4.1.0, which is lower than the ClinGen SCID-VCEP threshold (< 0.000102) for PM2, therefore, PM2_supporting is met. This premature translational stop signal has been observed in individuals with clinical features of severe combined immunodeficiency or Omenn syndrome (PMID: 8810255, 11520796, 24144642, 25516070). To avoid double counting, PM3 was not applied in R897Ter variant curation, as this variant could be used as the pathogenic allele when evaluating other variants observed in trans with R897Ter in these patients. In vivo recombination assay in 293T cells showed that the nonsense mutant, R897X, abolished the ability of the mutant protein to mediate recombination of the substrate. (PMID: 8810255, PS3_moderate ) In summary, this variant meets the criteria to be classified as a Pathogenic variant for autosomal recessive severe combined immunodeficiency due to RAG1 deficiency based on the ACMG/AMP criteria applied, as specified by the ClinGen SCID VCEP: PVS1, PM2_supporting, and PS3_moderate (VCEP specifications version 2.1.0).

Labcorp Genetics (formerly Invitae), Labcorp
Classification: Pathogenic for Combined immunodeficiency with skin granulomas; Severe combined immunodeficiency, autosomal recessive, T cell-negative, B cell-negative, NK cell-positive. Last evaluated: 2025-10-22. Review status: criteria provided, single submitter. Criteria: Invitae Variant Classification Sherloc (09022015). Collection method: clinical testing. Allele origin: germline. Not counted in ClinVar's aggregate classification.
Comment: This sequence change creates a premature translational stop signal (p.Arg897*) in the RAG1 gene. While this is not anticipated to result in nonsense mediated decay, it is expected to disrupt the last 147 amino acid(s) of the RAG1 protein. The frequency data for this variant in the population databases is considered unreliable, as metrics indicate poor data quality at this position in the gnomAD database. This premature translational stop signal has been observed in individual(s) with clinical features of severe combined immunodeficiency or Omenn syndrome (PMID: 8810255, 11520796, 24144642, 25516070). ClinVar contains an entry for this variant (Variation ID: 488725). Algorithms developed to predict the effect of variants on gene product structure and function are not available or were not evaluated for this variant. Experimental studies have shown that this premature translational stop signal affects RAG1 function (PMID: 11520796). This variant disrupts a region of the RAG1 protein in which other variant(s) (p.Trp959*) have been determined to be pathogenic (PMID: 11133745, 24290284, 24406074). This suggests that this is a clinically significant region of the protein, and that variants that disrupt it are likely to be disease-causing. For these reasons, this variant has been classified as Pathogenic.

Baylor Genetics
Classification: Pathogenic for Combined immunodeficiency due to partial RAG1 deficiency. Last evaluated: 2022-11-19. Review status: criteria provided, single submitter. Criteria: ACMG Guidelines, 2015. Collection method: clinical testing. Allele origin: unknown. Not counted in ClinVar's aggregate classification.

Fulgent Genetics
Classification: Pathogenic for Combined immunodeficiency with skin granulomas; Severe combined immunodeficiency, autosomal recessive, T cell-negative, B cell-negative, NK cell-positive; Histiocytic medullary reticulosis; Combined immunodeficiency due to partial RAG1 deficiency. Last evaluated: 2021-11-11. Review status: criteria provided, single submitter. Criteria: ACMG Guidelines, 2015. Collection method: clinical testing. Allele origin: unknown. Not counted in ClinVar's aggregate classification.

Women's Health and Genetics/Laboratory Corporation of America, LabCorp
Classification: Pathogenic for Severe Combined Immune Deficiency. Last evaluated: 2020-03-27. Review status: criteria provided, single submitter. Criteria: LabCorp Variant Classification Summary - May 2015. Collection method: clinical testing. Allele origin: germline. Not counted in ClinVar's aggregate classification.
Comment: Variant summary: RAG1 c.2689C>T (p.Arg897X) results in a premature termination codon, predicted to cause a truncation of the encoded protein or absence of the protein due to nonsense mediated decay, which are commonly known mechanisms for disease. Truncations downstream of this position have been classified as pathogenic by our laboratory. The variant allele was found at a frequency of 1.2e-05 in 250440 control chromosomes. c.2689C>T has been reported in the literature in individuals affected with Severe Combined Immunodeficiency Syndrome (Schwarz_1996, Kumaki_2001). These data indicate that the variant may be associated with disease. At least one publication reports experimental evidence evaluating an impact on protein function. The most pronounced variant effect results in <10% of normal activity (Kumaki_2001). One clinical diagnostic laboratory has submitted clinical-significance assessments for this variant to ClinVar after 2014 and classified the variant as pathogenic. Based on the evidence outlined above, the variant was classified as pathogenic.

GeneDx
Classification: Pathogenic. Last evaluated: 2017-07-19. Review status: criteria provided, single submitter. Criteria: GeneDx Variant Classification (06012015). Collection method: clinical testing. Allele origin: germline. Affected: yes. Not counted in ClinVar's aggregate classification.
Comment: The R897X nonsense variant has been reported previously in association with SCID (Schwarz et al., 1996; Buchbinder et al. (2015). This variant is predicted to cause loss of normal protein function through protein truncation, as the last 147 amino acids of the protein are lost. The variant is not observed in large population cohorts (Lek et al., 2016). In summary, we consider this variant to be pathogenic.

Literature cited by the submitters: PubMed 8810255 (cited by 3 submitters); PubMed 11520796 (cited by Labcorp Genetics (formerly Invitae), Labcorp and Women's Health and Genetics/Laboratory Corporation of America, LabCorp); PubMed 24144642 (cited by Labcorp Genetics (formerly Invitae), Labcorp); PubMed 25516070 (cited by Labcorp Genetics (formerly Invitae), Labcorp); PubMed 11133745 (cited by Labcorp Genetics (formerly Invitae), Labcorp and Women's Health and Genetics/Laboratory Corporation of America, LabCorp); PubMed 24290284 (cited by Labcorp Genetics (formerly Invitae), Labcorp); PubMed 24406074 (cited by Labcorp Genetics (formerly Invitae), Labcorp); PubMed 11908269 (cited by Women's Health and Genetics/Laboratory Corporation of America, LabCorp); PubMed 17075247 (cited by Women's Health and Genetics/Laboratory Corporation of America, LabCorp).

NM_000448.3(RAG1):c.2689C>T (p.Arg897Ter)

Gene: RAG1 (recombination activating 1; plus strand). Cytogenetic location: 11p12.
Variant type: single nucleotide variant.
Coding change: c.2689C>T on transcript NM_000448.3 (MANE Select); coding-DNA position 2689, C replaced by T.
Protein change: p.Arg897Ter; replaces arginine 897 with a stop codon.
Molecular consequence: nonsense.
Genome position (GRCh38, 1-based): chr11:36,575,993, C>T. VCF-style: chr11-36575993-C-T. GRCh37 (hg19) VCF-style: chr11-36597543-C-T.
Other names: NM_000448.3(RAG1):c.2689C>T; p.Arg897Ter; c.2689C>T, p.Arg897Ter (NM_001377277.1, NM_001377278.1, NM_001377279.1 and 1 more transcripts); short protein forms R897*.
Identifiers: ClinVar variation 488725 (VCV000488725.16), dbSNP rs757797994, ClinGen allele CA220564442.